The following is an entry in ClinVar:

ClinVar aggregate classification (germline): Uncertain significance (1 of 4 stars; one submission).

Submission:

GeneDx
Classification: Uncertain significance. Last evaluated: 2025-02-04. Review status: criteria provided, single submitter. Criteria: GeneDx Variant Classification Process June 2021. Collection method: clinical testing. Allele origin: germline. Affected: yes.
Comment: Not observed at significant frequency in large population cohorts (gnomAD); In silico analysis supports that this missense variant has a deleterious effect on protein structure/function; Has not been previously published as pathogenic or benign to our knowledge; Variants in candidate genes are classified as variants of uncertain significance in accordance with ACMG guidelines (PMID: 25741868)

NM_033026.6(PCLO):c.3217C>A (p.Pro1073Thr)

Gene: PCLO (piccolo presynaptic cytomatrix protein; minus strand). Cytogenetic location: 7q21.11.
Variant type: single nucleotide variant.
Coding change: c.3217C>A on transcript NM_033026.6 (MANE Select); coding-DNA position 3217, C replaced by A.
Protein change: p.Pro1073Thr; replaces proline 1073 with threonine.
Molecular consequence: missense variant.
Genome position (GRCh38, 1-based): chr7:83,134,333, G>T on the plus strand (C>A on the coding strand, the complement: PCLO is on the minus strand). VCF-style: chr7-83134333-G-T. GRCh37 (hg19) VCF-style: chr7-82763649-G-T.
Other names: c.3217C>A, p.Pro1073Thr (NM_014510.3); short protein forms P1073T.
Identifiers: ClinVar variation 4072685 (VCV004072685.1).
Genomic context (GRCh38, chr7:83,134,333, plus strand): 5'-TAAATCCACAGAGATTACACACTTGATTCTTGCATTCAGTGCAAGTATTGAAGTTAGGAG[G>T]ATCCTTAGAACCTATGTTGAGTTCAGTTTTGCAGAGAGGACAGGTTGATTCTGGTTTGGG-3'
Protein context (NP_149015.2, residues 1063-1083): KTELNIGSKD[Pro1073Thr]PNFNTCTECK